The following is an entry in ClinVar:

ClinVar aggregate classification (germline): Uncertain significance. Review status: criteria provided, multiple submitters, no conflicts (2 of 4 stars). 3 submissions from 3 submitters: Uncertain significance (3). Last evaluated 2024-06-12.

Conditions:
Polycystic kidney disease, adult type (PKD1). Also called: POLYCYSTIC KIDNEY DISEASE 1 WITH OR WITHOUT POLYCYSTIC LIVER DISEASE; Polycystic Kidney Disease 1, Autosomal Dominant; Polycystic kidney disease 1; Polycystic kidney disease 1, severe; POLYCYSTIC KIDNEY DISEASE, ADULT, TYPE I; Polycystic Kidney, Autosomal Dominant. Identifiers: MedGen C3149841, MONDO:0008263, OMIM 173900.

Allele frequency attached by ClinVar (database versions not stated): gnomAD exomes below 0.00001; TOPMed below 0.00001; gnomAD 0.00001.
gnomAD v4.1: 5 of 1,530,930 alleles (0.00033%); highest among the groups gnomAD compares: Non-Finnish European, 0.00044%; no homozygotes.

Submissions (3):

Fulgent Genetics
Classification: Uncertain significance for Polycystic kidney disease, adult type. Last evaluated: 2024-06-12. Review status: criteria provided, single submitter. Criteria: ACMG Guidelines, 2015. Collection method: clinical testing. Allele origin: germline.

GeneDx
Classification: Uncertain significance. Last evaluated: 2023-02-07. Review status: criteria provided, single submitter. Criteria: GeneDx Variant Classification Process June 2021. Collection method: clinical testing. Allele origin: germline. Affected: yes.
Comment: Not observed at significant frequency in large population cohorts (gnomAD); In silico analysis supports that this missense variant does not alter protein structure/function; Has not been previously published as pathogenic or benign to our knowledge

Greenwood Genetic Center Diagnostic Laboratories, Greenwood Genetic Center
Classification: Uncertain significance. Last evaluated: 2021-08-06. Review status: criteria provided, single submitter. Criteria: ACMG Guidelines, 2015. Collection method: clinical testing. Allele origin: germline. Affected: yes.
Comment: BP4, PM2

NM_001009944.3(PKD1):c.709C>G (p.Pro237Ala)

Gene: PKD1 (polycystin 1, transient receptor potential channel interacting; minus strand). Cytogenetic location: 16p13.3.
Variant type: single nucleotide variant.
Coding change: c.709C>G on transcript NM_001009944.3 (MANE Select); coding-DNA position 709, C replaced by G.
Protein change: p.Pro237Ala; replaces proline 237 with alanine.
Molecular consequence: missense variant.
Genome position (GRCh38, 1-based): chr16:2,118,283, G>C on the plus strand (C>G on the coding strand, the complement: PKD1 is on the minus strand). VCF-style: chr16-2118283-G-C. GRCh37 (hg19) VCF-style: chr16-2168284-G-C.
Other names: c.709C>G, p.Pro237Ala (NM_000296.4); short protein forms P237A.
Identifiers: ClinVar variation 1254004 (VCV001254004.8), dbSNP rs1350910449, ClinGen allele CA394394496.
Genomic context (GRCh38, chr16:2,118,283, plus strand): 5'-GGGCAGGAGGTGGCGGGGGGCCGGAGCAGAGGGACAGGCAGGCAAAGGAGGCACTGGAGG[G>C]CTGGGCCGCCCCACACAGGCACCAGCCCTGCTCCGAGAGGGCTGCGAGGCCCTGGCCGGT-3'
Protein context (NP_001009944.3, residues 227-247): QGWCLCGAAQ[Pro237Ala]SSASFACLSL